The following is an entry in ClinVar:

ClinVar aggregate classification (germline): Uncertain significance (1 of 4 stars; one submission).

Conditions:
Dyskeratosis congenita. Identifiers: Orphanet 1775, MedGen C0265965, MONDO:0015780.

Allele frequency attached by ClinVar (database versions not stated): gnomAD 0.00001.
gnomAD v4.1: 1 of 1,613,708 alleles (0.000062%); no homozygotes.

Submission:

Labcorp Genetics (formerly Invitae), Labcorp
Classification: Uncertain significance for Dyskeratosis congenita. Last evaluated: 2025-08-21. Review status: criteria provided, single submitter. Criteria: Invitae Variant Classification Sherloc (09022015). Collection method: clinical testing. Allele origin: germline.
Comment: This sequence change replaces proline, which is neutral and non-polar, with leucine, which is neutral and non-polar, at codon 232 of the TINF2 protein (p.Pro232Leu). This variant is not present in population databases (gnomAD no frequency). This variant has not been reported in the literature in individuals affected with TINF2-related conditions. ClinVar contains an entry for this variant (Variation ID: 2161170). An algorithm developed to predict the effect of missense changes on protein structure and function outputs the following: PolyPhen-2: "Possibly Damaging". The leucine amino acid residue is found in multiple mammalian species, which suggests that this missense change does not adversely affect protein function. In summary, the available evidence is currently insufficient to determine the role of this variant in disease. Therefore, it has been classified as a Variant of Uncertain Significance.

NM_001099274.3(TINF2):c.695C>T (p.Pro232Leu)

Gene: TINF2 (TERF1 interacting nuclear factor 2; minus strand). Cytogenetic location: 14q12.
Variant type: single nucleotide variant.
Coding change: c.695C>T on transcript NM_001099274.3 (MANE Select); coding-DNA position 695, C replaced by T.
Protein change: p.Pro232Leu; replaces proline 232 with leucine.
Molecular consequence: missense variant.
Genome position (GRCh38, 1-based): chr14:24,240,785, G>A on the plus strand (C>T on the coding strand, the complement: TINF2 is on the minus strand). VCF-style: chr14-24240785-G-A. GRCh37 (hg19) VCF-style: chr14-24709991-G-A.
Other names: c.590C>T, p.Pro197Leu (NM_001363668.2); c.695C>T, p.Pro232Leu (NM_012461.3); short protein forms P197L, P232L.
Identifiers: ClinVar variation 2161170 (VCV002161170.4), dbSNP rs1191953304, ClinGen allele CA389227189.